The following is an entry in ClinVar:

NM_000038.6(APC):c.4438C>T (p.Gln1480Ter)

Gene: APC (APC regulator of Wnt signaling pathway; plus strand). Cytogenetic location: 5q22.2.
Variant type: single nucleotide variant.
Coding change: c.4438C>T on transcript NM_000038.6 (MANE Select); coding-DNA position 4438, C replaced by T.
Protein change: p.Gln1480Ter; replaces glutamine 1480 with a stop codon.
Molecular consequence: nonsense.
Genome position (GRCh38, 1-based): chr5:112,840,032, C>T. VCF-style: chr5-112840032-C-T. GRCh37 (hg19) VCF-style: chr5-112175729-C-T.
Other names: c.4438C>T, p.Gln1480Ter (NM_001127510.3, NM_001354895.2); c.4384C>T, p.Gln1462Ter (NM_001127511.3); c.4492C>T, p.Gln1498Ter (NM_001354896.2); c.4468C>T, p.Gln1490Ter (NM_001354897.2); c.4363C>T, p.Gln1455Ter (NM_001354898.2); c.4354C>T, p.Gln1452Ter (NM_001354899.2); c.4315C>T, p.Gln1439Ter (NM_001354900.2); c.4261C>T, p.Gln1421Ter (NM_001354901.2); and 5 more; short protein forms Q1197*, Q1379*, Q1490*, Q1320*, Q1389*, Q1455*, Q1462*, Q1480*.
Identifiers: ClinVar variation 1456637 (VCV001456637.9), dbSNP rs2149914756, ClinGen allele CA16031048.

ClinVar aggregate classification (germline): Pathogenic. Review status: criteria provided, multiple submitters, no conflicts (2 of 4 stars). 3 submissions from 3 submitters: Pathogenic (3). Last evaluated 2024-11-12.
ClinVar aggregate classification (oncogenicity): Likely oncogenic (1 of 4 stars; one submission).

Conditions:
APC-related disorder. Also called: APC-related condition.
Familial adenomatous polyposis 1 (FAP1). Also called: POLYPOSIS, ADENOMATOUS INTESTINAL; FAMILIAL ADENOMATOUS POLYPOSIS 1, ATTENUATED. Identifiers: MedGen C2713442, MONDO:0021056, OMIM 175100. Disease mechanism: loss of function.
Neoplasm. Also called: tumor; Neoplasms; Neoplasm (disease). Identifiers: MedGen C0027651, MeSH D009369, MONDO:0005070, HP:0002664.

Submissions (4):

Center for Genomic Medicine, Rigshospitalet, Copenhagen University Hospital
Classification: Likely oncogenic for Neoplasm. Last evaluated: 2025-12-29. Review status: criteria provided, single submitter. Criteria: ClinGen/CGC/VICC Guidelines for Oncogenicity, 2022. Collection method: clinical testing. Allele origin: somatic. Affected: yes.

Blueprint Genetics
Classification: Pathogenic for APC-related disorders. Last evaluated: 2024-11-12. Review status: criteria provided, single submitter. Criteria: ACMG Guidelines, 2015. Collection method: clinical testing. Allele origin: germline. Affected: yes. Observed: 2 variant alleles.

Labcorp Genetics (formerly Invitae), Labcorp
Classification: Pathogenic for Familial adenomatous polyposis 1. Last evaluated: 2024-06-05. Review status: criteria provided, single submitter. Criteria: Invitae Variant Classification Sherloc (09022015). Collection method: clinical testing. Allele origin: germline.
Comment: This sequence change creates a premature translational stop signal (p.Gln1480*) in the APC gene. While this is not anticipated to result in nonsense mediated decay, it is expected to disrupt the last 1364 amino acid(s) of the APC protein. This variant is not present in population databases (gnomAD no frequency). This premature translational stop signal has been observed in individual(s) with APC-related conditions (PMID: 10077047, 20513532). ClinVar contains an entry for this variant (Variation ID: 1456637). This variant is expected to disrupt the EB1 and HDLG binding sites, which mediate interactions with the cytoskeleton (PMID: 15311282, 17293347). While functional studies have not been performed to directly test the effect on APC protein function, this suggests that disruption of the C-terminal portion of the protein is functionally important. A different truncation (p.Tyr2645Lysfs*14) that lies downstream of this variant has been determined to be pathogenic (PMID: 9824584, 1316610, 27081525, 8381579, 22135120, Invitae). This suggests that deletion of this region of the APC protein is causative of disease. For these reasons, this variant has been classified as Pathogenic.

Myriad Genetics, Inc.
Classification: Pathogenic for Familial adenomatous polyposis 1. Last evaluated: 2023-05-11. Review status: criteria provided, single submitter. Criteria: Myriad Autosomal Dominant, Autosomal Recessive and X-Linked Classification Criteria (2023). Collection method: clinical testing. Allele origin: unknown.
Comment: This variant is considered pathogenic. This variant creates a termination codon and is predicted to result in premature protein truncation.

Literature cited by the submitters: PubMed 18199528 (cited by Center for Genomic Medicine, Rigshospitalet, Copenhagen University Hospital); PubMed 10346819 (cited by Center for Genomic Medicine, Rigshospitalet, Copenhagen University Hospital); PubMed 10077047 (cited by Labcorp Genetics (formerly Invitae), Labcorp); PubMed 20513532 (cited by Labcorp Genetics (formerly Invitae), Labcorp); PubMed 15311282 (cited by Labcorp Genetics (formerly Invitae), Labcorp); PubMed 17293347 (cited by Labcorp Genetics (formerly Invitae), Labcorp); PubMed 9824584 (cited by Labcorp Genetics (formerly Invitae), Labcorp); PubMed 1316610 (cited by Labcorp Genetics (formerly Invitae), Labcorp); PubMed 27081525 (cited by Labcorp Genetics (formerly Invitae), Labcorp); PubMed 8381579 (cited by Labcorp Genetics (formerly Invitae), Labcorp); PubMed 22135120 (cited by Labcorp Genetics (formerly Invitae), Labcorp).